The following is an entry in ClinVar:

ClinVar aggregate classification (germline): Uncertain significance (1 of 4 stars; one submission).

Submission:

GeneDx
Classification: Uncertain significance. Last evaluated: 2023-05-06. Review status: criteria provided, single submitter. Criteria: GeneDx Variant Classification Process June 2021. Collection method: clinical testing. Allele origin: germline. Affected: yes.
Comment: Not observed at significant frequency in large population cohorts (gnomAD); Has not been previously published as pathogenic or benign to our knowledge

NM_001291867.2(NHS):c.-3G>T

Gene: NHS (NHS actin remodeling regulator; plus strand). Cytogenetic location: Xp22.2.
Variant type: single nucleotide variant.
Coding change: c.-3G>T on transcript NM_001291867.2 (MANE Select); 3 bases upstream of the start codon, G replaced by T.
Molecular consequence: 5 prime UTR variant.
Genome position (GRCh38, 1-based): chrX:17,375,755, G>T. VCF-style: chrX-17375755-G-T. GRCh37 (hg19) VCF-style: chrX-17393878-G-T.
Other names: c.-3G>T (NM_198270.4).
Identifiers: ClinVar variation 2663674 (VCV002663674.1), dbSNP rs1217306732, ClinGen allele CA2695200158.
Genomic context (GRCh38, chrX:17,375,755, plus strand): 5'-CCCGGTCTCCAGCTCACAGGGGCGCTTGGAGGAGACCAGAAAGTCGCCGCCTGGCTGCGC[G>T]GGATGCCTTTCGCCAAGCGGATCGTGGAGCCGCAATGGCTGTGCAGGCAGCGGCGCCCTG-3'